The following is an entry in ClinVar:

ClinVar aggregate classification (germline): Uncertain significance. Review status: criteria provided, multiple submitters, no conflicts (2 of 4 stars). 2 submissions from 2 submitters: Uncertain significance (2). Last evaluated 2024-03-01.

Conditions:
Desmin-related myofibrillar myopathy (MFM1). Also called: Desminopathy; Desmin related myopathy (former name); Desmin storage myopathy (former name); MYOFIBRILLAR MYOPATHY WITH ARRHYTHMOGENIC RIGHT VENTRICULAR CARDIOMYOPATHY; DESMIN-RELATED MYOPATHY WITH ARRHYTHMOGENIC RIGHT VENTRICULAR CARDIOMYOPATHY; Myofibrillar myopathy 1. Identifiers: Orphanet 363543, Orphanet 98909, MedGen C1832370, MONDO:0011076, OMIM 601419.
Cardiovascular phenotype. Identifiers: MedGen CN230736.

gnomAD v4.1: 2 of 1,613,852 alleles (0.00012%); highest among the groups gnomAD compares: African/African-American, 0.0027%; no homozygotes.

Submissions (2):

Labcorp Genetics (formerly Invitae), Labcorp
Classification: Uncertain significance for Desmin-related myofibrillar myopathy. Last evaluated: 2024-03-01. Review status: criteria provided, single submitter. Criteria: Invitae Variant Classification Sherloc (09022015). Collection method: clinical testing. Allele origin: germline.
Comment: This sequence change replaces arginine, which is basic and polar, with leucine, which is neutral and non-polar, at codon 248 of the DES protein (p.Arg248Leu). The frequency data for this variant in the population databases is considered unreliable, as metrics indicate poor data quality at this position in the gnomAD database. This variant has not been reported in the literature in individuals affected with DES-related conditions. ClinVar contains an entry for this variant (Variation ID: 2565374). Advanced modeling of protein sequence and biophysical properties (such as structural, functional, and spatial information, amino acid conservation, physicochemical variation, residue mobility, and thermodynamic stability) has been performed at Invitae for this missense variant, however the output from this modeling did not meet the statistical confidence thresholds required to predict the impact of this variant on DES protein function. In summary, the available evidence is currently insufficient to determine the role of this variant in disease. Therefore, it has been classified as a Variant of Uncertain Significance.

Ambry Genetics
Classification: Uncertain significance for Cardiovascular phenotype. Last evaluated: 2023-05-12. Review status: criteria provided, single submitter. Criteria: Ambry Variant Classification Scheme 2023. Collection method: clinical testing. Allele origin: germline.
Comment: The p.R248L variant (also known as c.743G>T), located in coding exon 4 of the DES gene, results from a G to T substitution at nucleotide position 743. The arginine at codon 248 is replaced by leucine, an amino acid with dissimilar properties. This amino acid position is highly conserved in available vertebrate species. In addition, this alteration is predicted to be deleterious by in silico analysis. Since supporting evidence is limited at this time, the clinical significance of this alteration remains unclear.

NM_001927.4(DES):c.743G>T (p.Arg248Leu)

Gene: DES (desmin; plus strand). Cytogenetic location: 2q35.
Variant type: single nucleotide variant.
Coding change: c.743G>T on transcript NM_001927.4 (MANE Select); coding-DNA position 743, G replaced by T.
Protein change: p.Arg248Leu; replaces arginine 248 with leucine.
Molecular consequence: missense variant. On other transcripts: intron variant (2).
Genome position (GRCh38, 1-based): chr2:219,420,502, G>T. VCF-style: chr2-219420502-G-T. GRCh37 (hg19) VCF-style: chr2-220285224-G-T.
Other names: c.740G>T, p.Arg247Leu (NM_001382708.1); c.743G>T, p.Arg248Leu (NM_001382710.1, NM_001382711.1, NM_001382712.1); c.735+156G>T (NM_001382709.1); c.496-23G>T (NM_001382713.1); short protein forms R247L, R248L.
Identifiers: ClinVar variation 2565374 (VCV002565374.5), dbSNP rs375906682, ClinGen allele CA350690747.